The following is an entry in ClinVar:

ClinVar aggregate classification (germline): Uncertain significance (1 of 4 stars; one submission).

Allele frequency attached by ClinVar (database versions not stated): gnomAD 0.00001; ExAC 0.00002; gnomAD exomes 0.00002; TOPMed 0.00004.
gnomAD v4.1: 26 of 1,613,974 alleles (0.0016%); highest among the groups gnomAD compares: Admixed American, 0.0083%; no homozygotes.

Submission:

Labcorp Genetics (formerly Invitae), Labcorp
Classification: Uncertain significance. Last evaluated: 2022-06-05. Review status: criteria provided, single submitter. Criteria: Invitae Variant Classification Sherloc (09022015). Collection method: clinical testing. Allele origin: germline.
Comment: This sequence change replaces arginine, which is basic and polar, with histidine, which is basic and polar, at codon 1469 of the CEP152 protein (p.Arg1469His). This variant is present in population databases (rs750195502, gnomAD 0.01%). This variant has not been reported in the literature in individuals affected with CEP152-related conditions. ClinVar contains an entry for this variant (Variation ID: 1447357). Algorithms developed to predict the effect of missense changes on protein structure and function output the following: SIFT: "Deleterious"; PolyPhen-2: "Benign"; Align-GVGD: "Class C0". The histidine amino acid residue is found in multiple mammalian species, which suggests that this missense change does not adversely affect protein function. In summary, the available evidence is currently insufficient to determine the role of this variant in disease. Therefore, it has been classified as a Variant of Uncertain Significance.

NM_001194998.2(CEP152):c.4574G>A (p.Arg1525His)

Gene: CEP152 (centrosomal protein 152; minus strand). Cytogenetic location: 15q21.1.
Variant type: single nucleotide variant.
Coding change: c.4574G>A on transcript NM_001194998.2 (MANE Select); coding-DNA position 4574, G replaced by A.
Protein change: p.Arg1525His; replaces arginine 1525 with histidine.
Molecular consequence: missense variant.
Genome position (GRCh38, 1-based): chr15:48,738,808, C>T on the plus strand (G>A on the coding strand, the complement: CEP152 is on the minus strand). VCF-style: chr15-48738808-C-T. GRCh37 (hg19) VCF-style: chr15-49031005-C-T.
Other names: c.4406G>A, p.Arg1469His (NM_014985.4); short protein forms R1469H, R1525H.
Identifiers: ClinVar variation 1447357 (VCV001447357.3), dbSNP rs750195502, ClinGen allele CA7548074.